The following is an entry in ClinVar:

NM_000298.6(PKLR):c.844A>T (p.Ile282Phe)

Gene: PKLR (pyruvate kinase L/R; minus strand). Cytogenetic location: 1q22.
Variant type: single nucleotide variant.
Coding change: c.844A>T on transcript NM_000298.6 (MANE Select); coding-DNA position 844, A replaced by T.
Protein change: p.Ile282Phe; replaces isoleucine 282 with phenylalanine.
Molecular consequence: missense variant.
Genome position (GRCh38, 1-based): chr1:155,294,603, T>A on the plus strand (A>T on the coding strand, the complement: PKLR is on the minus strand). VCF-style: chr1-155294603-T-A. GRCh37 (hg19) VCF-style: chr1-155264394-T-A.
Other names: p.Ile282Phe; c.751A>T, p.Ile251Phe (NM_181871.4); short protein forms I251F, I282F.
Identifiers: ClinVar variation 2682659 (VCV002682659.2), dbSNP rs2525290670, ClinGen allele CA342754203.

ClinVar aggregate classification (germline): Uncertain significance (1 of 4 stars; one submission).

Submission:

Mayo Clinic Laboratories, Mayo Clinic
Classification: Uncertain significance. Last evaluated: 2025-04-24. Review status: criteria provided, single submitter. Criteria: ACMG Guidelines, 2015. Collection method: clinical testing. Allele origin: germline. Observed: 2 variant alleles.
Comment: PP3, PM2_moderate